The following is an entry in ClinVar:

NM_015047.3(EMC1):c.61G>A (p.Ala21Thr)

Gene: EMC1 (ER membrane protein complex subunit 1; minus strand). Cytogenetic location: 1p36.13.
Variant type: single nucleotide variant.
Coding change: c.61G>A on transcript NM_015047.3 (MANE Select); coding-DNA position 61, G replaced by A.
Protein change: p.Ala21Thr; replaces alanine 21 with threonine.
Molecular consequence: missense variant.
Genome position (GRCh38, 1-based): chr1:19,251,449, C>T on the plus strand (G>A on the coding strand, the complement: EMC1 is on the minus strand). VCF-style: chr1-19251449-C-T. GRCh37 (hg19) VCF-style: chr1-19577943-C-T.
Other names: c.61G>A (NM_015047.1); c.61G>A, p.Ala21Thr (NM_001271427.2, NM_001271428.2, NM_001271429.2 and 2 more transcripts); short protein forms A21T.
Identifiers: ClinVar variation 969310 (VCV000969310.26), dbSNP rs11558182, ClinGen allele CA653069.
Genomic context (GRCh38, chr1:19,251,449, plus strand): 5'-CTCGAATATGTTCCACACGTACGCACCAATCAAACTTGCCCACTTGGTCTTCGTAGACCG[C>T]GGCCGCAGGAATCAGCAGCGTAGCCCAAAGCCAGAAACGAGAAGCCCACTCAGCCGCCAT-3'
Protein context (NP_055862.1, residues 11-31): LWATLLIPAA[Ala21Thr]VYEDQVGKFD

ClinVar aggregate classification (germline): Uncertain significance. Review status: criteria provided, multiple submitters, no conflicts (2 of 4 stars). 7 submissions from 7 submitters: Uncertain significance (6). 1 of the submissions does not count toward it. Last evaluated 2026-01-28.

Conditions:
Inborn genetic diseases. Identifiers: MedGen C0950123, MeSH D030342.
Retinal dystrophy. Also called: Inherited retinal dystrophy. Identifiers: Orphanet 71862, MedGen C0854723, MeSH D058499, MONDO:0019118, HP:0000556.

Allele frequency attached by ClinVar (database versions not stated): gnomAD 0.00007 and 0.00008; TOPMed 0.00010; ESP Exome Variant Server 0.00023; 1000 Genomes Project 30x 0.00031; 1000 Genomes Project 0.00040.
gnomAD v4.1: 144 of 1,614,158 alleles (0.0089%); highest among the groups gnomAD compares: Middle Eastern, 0.033%; no homozygotes.

Submissions (7):

Labcorp Genetics (formerly Invitae), Labcorp
Classification: Uncertain significance. Last evaluated: 2026-01-28. Review status: criteria provided, single submitter. Criteria: Invitae Variant Classification Sherloc (09022015). Collection method: clinical testing. Allele origin: germline.
Comment: This sequence change replaces alanine, which is neutral and non-polar, with threonine, which is neutral and polar, at codon 21 of the EMC1 protein (p.Ala21Thr). This variant is present in population databases (rs11558182, gnomAD 0.03%). This missense change has been observed in individual(s) with clinical features of EMC1-related conditions (PMID: 38374194). ClinVar contains an entry for this variant (Variation ID: 969310). Invitae Evidence Modeling of protein sequence and biophysical properties (such as structural, functional, and spatial information, amino acid conservation, physicochemical variation, residue mobility, and thermodynamic stability) indicates that this missense variant is expected to disrupt EMC1 protein function with a positive predictive value of 80%. In summary, the available evidence is currently insufficient to determine the role of this variant in disease. Therefore, it has been classified as a Variant of Uncertain Significance.

GeneDx
Classification: Uncertain significance. Last evaluated: 2024-12-31. Review status: criteria provided, single submitter. Criteria: GeneDx Variant Classification Process June 2021. Collection method: clinical testing. Allele origin: germline. Affected: yes.
Comment: In silico analysis indicates that this missense variant does not alter protein structure/function; This variant is associated with the following publications: (PMID: 38374194)

CeGaT Center for Human Genetics Tuebingen
Classification: Uncertain significance. Last evaluated: 2024-11-01. Review status: criteria provided, single submitter. Criteria: CeGaT Center For Human Genetics Tuebingen Variant Classification Criteria Version 2. Collection method: clinical testing. Allele origin: germline. Affected: yes. Observed: 1 variant allele.
Comment: EMC1: PM2

Blueprint Genetics
Classification: Uncertain significance. Last evaluated: 2024-08-27. Review status: criteria provided, single submitter. Criteria: ACMG Guidelines, 2015. Collection method: clinical testing. Allele origin: germline.

Ambry Genetics
Classification: Uncertain significance for Inborn genetic diseases. Last evaluated: 2021-04-01. Review status: criteria provided, single submitter. Criteria: Ambry Variant Classification Scheme 2023. Collection method: clinical testing. Allele origin: germline.

Breakthrough Genomics
Classification: Uncertain significance. Review status: criteria provided, single submitter. Criteria: ACMG Guidelines, 2015. Collection method: not provided. Allele origin: germline. Inheritance: Autosomal recessive inheritance. Affected: yes.

Institute of Human Genetics, Univ. Regensburg, Univ. Regensburg
Classification: Uncertain significance for Retinal dystrophy. Last evaluated: 2023-01-01. Review status: no assertion criteria provided. Criteria: ACMG Guidelines, 2015. Collection method: clinical testing. Allele origin: germline. Affected: yes. Not counted in ClinVar's aggregate classification.

Literature cited by the submitters: PubMed 38374194 (cited by Labcorp Genetics (formerly Invitae), Labcorp).